The following is an entry in ClinVar:

NM_004525.3(LRP2):c.6764T>C (p.Leu2255Ser)

Gene: LRP2 (LDL receptor related protein 2; minus strand). Cytogenetic location: 2q31.1.
Variant type: single nucleotide variant.
Coding change: c.6764T>C on transcript NM_004525.3 (MANE Select); coding-DNA position 6764, T replaced by C.
Protein change: p.Leu2255Ser; replaces leucine 2255 with serine.
Molecular consequence: missense variant.
Genome position (GRCh38, 1-based): chr2:169,206,956, A>G on the plus strand (T>C on the coding strand, the complement: LRP2 is on the minus strand). VCF-style: chr2-169206956-A-G. GRCh37 (hg19) VCF-style: chr2-170063466-A-G.
Other names: c.6764T>C (NM_004525.2); short protein forms L2255S.
Identifiers: ClinVar variation 2133663 (VCV002133663.5), dbSNP rs2545810232, ClinGen allele CA349172716.

ClinVar aggregate classification (germline): Uncertain significance. Review status: criteria provided, multiple submitters, no conflicts (2 of 4 stars). 2 submissions from 2 submitters: Uncertain significance (2). Last evaluated 2025-09-09.

Conditions:
Inborn genetic diseases. Identifiers: MedGen C0950123, MeSH D030342.

gnomAD v4.1: 1 of 1,614,254 alleles (0.000062%); no homozygotes.

Submissions (2):

Ambry Genetics
Classification: Uncertain significance for Inborn genetic diseases. Last evaluated: 2025-09-09. Review status: criteria provided, single submitter. Criteria: Ambry Variant Classification Scheme 2023. Collection method: clinical testing. Allele origin: germline.

Labcorp Genetics (formerly Invitae), Labcorp
Classification: Uncertain significance. Last evaluated: 2022-05-04. Review status: criteria provided, single submitter. Criteria: Invitae Variant Classification Sherloc (09022015). Collection method: clinical testing. Allele origin: germline.
Comment: In summary, the available evidence is currently insufficient to determine the role of this variant in disease. Therefore, it has been classified as a Variant of Uncertain Significance. Advanced modeling of protein sequence and biophysical properties (such as structural, functional, and spatial information, amino acid conservation, physicochemical variation, residue mobility, and thermodynamic stability) performed at Invitae indicates that this missense variant is expected to disrupt LRP2 protein function. This variant has not been reported in the literature in individuals affected with LRP2-related conditions. This variant is not present in population databases (gnomAD no frequency). This sequence change replaces leucine, which is neutral and non-polar, with serine, which is neutral and polar, at codon 2255 of the LRP2 protein (p.Leu2255Ser).